The following is an entry in ClinVar:

ClinVar aggregate classification (germline): Uncertain significance (1 of 4 stars; one submission).

Conditions:
Hereditary cancer-predisposing syndrome. Also called: Neoplastic Syndromes, Hereditary; Tumor predisposition; Hereditary neoplastic syndrome; Hereditary Cancer Syndrome. Identifiers: Orphanet 140162, MedGen C0027672, MeSH D009386, MONDO:0015356.

Submission:

Ambry Genetics
Classification: Uncertain significance for Hereditary cancer-predisposing syndrome. Last evaluated: 2024-03-05. Review status: criteria provided, single submitter. Criteria: Ambry Variant Classification Scheme 2023. Collection method: clinical testing. Allele origin: germline.
Comment: The p.G881R variant (also known as c.2641G>C), located in coding exon 7 of the PALB2 gene, results from a G to C substitution at nucleotide position 2641. The glycine at codon 881 is replaced by arginine, an amino acid with dissimilar properties. This amino acid position is highly conserved in available vertebrate species. In addition, the in silico prediction for this alteration is inconclusive. Based on the available evidence, the clinical significance of this alteration remains unclear.

NM_024675.4(PALB2):c.2641G>C (p.Gly881Arg)

Gene: PALB2 (partner and localizer of BRCA2; minus strand). Cytogenetic location: 16p12.2.
Variant type: single nucleotide variant.
Coding change: c.2641G>C on transcript NM_024675.4 (MANE Select); coding-DNA position 2641, G replaced by C.
Protein change: p.Gly881Arg; replaces glycine 881 with arginine.
Molecular consequence: missense variant. On other transcripts: intron variant (3).
Genome position (GRCh38, 1-based): chr16:23,626,343, C>G on the plus strand (G>C on the coding strand, the complement: PALB2 is on the minus strand). VCF-style: chr16-23626343-C-G. GRCh37 (hg19) VCF-style: chr16-23637664-C-G.
Other names: c.2581G>C, p.Gly861Arg (NM_001407296.1); c.2569G>C, p.Gly857Arg (NM_001407297.1); c.2641G>C, p.Gly881Arg (NM_001407299.1, NM_001407300.1, NM_001407301.1); c.1756G>C, p.Gly586Arg (NM_001407304.1, NM_001407305.1, NM_001407306.1 and 4 more transcripts); c.853G>C, p.Gly285Arg (NM_001407312.1, NM_001407313.1); c.175G>C, p.Gly59Arg (NM_001407314.1); c.2587-2249G>C (NM_001407302.1, NM_001407298.1); c.1702-2249G>C (NM_001407307.1); short protein forms G285R, G586R, G59R, G857R, G861R, G881R.
Identifiers: ClinVar variation 3228013 (VCV003228013.1), dbSNP rs766315705, ClinGen allele CA395122146.